The following is an entry in ClinVar:

ClinVar aggregate classification (germline): Uncertain significance (1 of 4 stars; one submission).

Conditions:
Hereditary cancer-predisposing syndrome. Also called: Neoplastic Syndromes, Hereditary; Tumor predisposition; Hereditary Cancer Syndrome; Hereditary neoplastic syndrome. Identifiers: Orphanet 140162, MedGen C0027672, MeSH D009386, MONDO:0015356.

Allele frequency attached by ClinVar (database versions not stated): ExAC 0.00001.

Submission:

Color Diagnostics, LLC DBA Color Health
Classification: Uncertain significance for Hereditary cancer-predisposing syndrome. Last evaluated: 2022-12-07. Review status: criteria provided, single submitter. Criteria: ACMG Guidelines, 2015. Collection method: clinical testing. Allele origin: germline.
Comment: This variant is located in the 5' untranslated region of the BAP1 gene. To our knowledge, functional studies have not been reported for this variant. This variant has not been reported in individuals affected with BAP1-related disorders in the literature. This variant has not been identified in the general population by the Genome Aggregation Database (gnomAD). The available evidence is insufficient to determine the role of this variant in disease conclusively. Therefore, this variant is classified as a Variant of Uncertain Significance.

NM_004656.4(BAP1):c.-13G>T

Gene: BAP1 (BRCA1 associated deubiquitinase 1; minus strand). Cytogenetic location: 3p21.1.
Variant type: single nucleotide variant.
Coding change: c.-13G>T on transcript NM_004656.4 (MANE Select); 13 bases upstream of the start codon, G replaced by T.
Molecular consequence: 5 prime UTR variant.
Genome position (GRCh38, 1-based): chr3:52,409,891, C>A on the plus strand (G>T on the coding strand, the complement: BAP1 is on the minus strand). VCF-style: chr3-52409891-C-A. GRCh37 (hg19) VCF-style: chr3-52443907-C-A.
Other names: c.-13G>T (NM_001410772.1).
Identifiers: ClinVar variation 2774768 (VCV002774768.2), dbSNP rs757769846, ClinGen allele CA2437268.